The following is an entry in ClinVar:

ClinVar aggregate classification (germline): Uncertain significance (1 of 4 stars; one submission).

gnomAD v4.1: 1 of 1,614,132 alleles (0.000062%); highest among the groups gnomAD compares: African/African-American, 0.0013%; no homozygotes.

Submission:

GeneDx
Classification: Uncertain significance. Last evaluated: 2025-09-24. Review status: criteria provided, single submitter. Criteria: GeneDx Variant Classification Process June 2021. Collection method: clinical testing. Allele origin: germline.
Comment: Canonical splice site variant predicted to result in a null allele in a gene for which loss of function is a known mechanism of disease; Has not been previously published as pathogenic or benign to our knowledge

NM_006946.4(SPTBN2):c.3867+2T>C

Gene: SPTBN2 (spectrin beta, non-erythrocytic 2; minus strand). Cytogenetic location: 11q13.2.
Variant type: single nucleotide variant.
Coding change: c.3867+2T>C on transcript NM_006946.4 (MANE Select); the canonical splice donor site of the intron after coding-DNA position 3867, T replaced by C.
Molecular consequence: splice donor variant.
Genome position (GRCh38, 1-based): chr11:66,698,990, A>G on the plus strand (T>C on the coding strand, the complement: SPTBN2 is on the minus strand). VCF-style: chr11-66698990-A-G. GRCh37 (hg19) VCF-style: chr11-66466461-A-G.
Other names: c.3888+2T>C (NM_001411025.1).
Identifiers: ClinVar variation 3897398 (VCV003897398.2).